The following is an entry in ClinVar:

NM_000038.6(APC):c.2026A>G (p.Ile676Val)

Gene: APC (APC regulator of Wnt signaling pathway; plus strand). Cytogenetic location: 5q22.2.
Variant type: single nucleotide variant.
Coding change: c.2026A>G on transcript NM_000038.6 (MANE Select); coding-DNA position 2026, A replaced by G.
Protein change: p.Ile676Val; replaces isoleucine 676 with valine.
Molecular consequence: missense variant.
Genome position (GRCh38, 1-based): chr5:112,837,620, A>G. VCF-style: chr5-112837620-A-G. GRCh37 (hg19) VCF-style: chr5-112173317-A-G.
Other names: c.2026A>G, p.Ile676Val (NM_001127510.3, NM_001354895.2); c.1972A>G, p.Ile658Val (NM_001127511.3); c.2080A>G, p.Ile694Val (NM_001354896.2); c.2056A>G, p.Ile686Val (NM_001354897.2); c.1951A>G, p.Ile651Val (NM_001354898.2); c.1942A>G, p.Ile648Val (NM_001354899.2); c.1903A>G, p.Ile635Val (NM_001354900.2); c.1849A>G, p.Ile617Val (NM_001354901.2); and 5 more; short protein forms I658V, I676V, I635V, I694V, I393V, I550V, I648V, I686V.
Identifiers: ClinVar variation 236567 (VCV000236567.36), dbSNP rs745529713, ClinGen allele CA030596.

ClinVar aggregate classification (germline): Conflicting classifications of pathogenicity. Review status: criteria provided, conflicting classifications (1 of 4 stars). 9 submissions from 9 submitters: Uncertain significance (8); Likely benign (1). Last evaluated 2026-04-07.

Conditions:
Classic or attenuated familial adenomatous polyposis. Identifiers: MedGen CN372698, MONDO:0021057.
APC-related disorder. Also called: APC-related condition.
Hereditary cancer-predisposing syndrome. Also called: Neoplastic Syndromes, Hereditary; Hereditary neoplastic syndrome; Hereditary Cancer Syndrome; Tumor predisposition. Identifiers: Orphanet 140162, MedGen C0027672, MeSH D009386, MONDO:0015356.
Familial adenomatous polyposis 1 (FAP1). Also called: POLYPOSIS, ADENOMATOUS INTESTINAL; FAMILIAL ADENOMATOUS POLYPOSIS 1, ATTENUATED. Identifiers: MedGen C2713442, MONDO:0021056, OMIM 175100. Disease mechanism: loss of function.

Allele frequency attached by ClinVar (database versions not stated): gnomAD 0.00002; gnomAD exomes 0.00002; TOPMed 0.00001; ExAC 0.00002.
gnomAD v4.1: 29 of 1,612,356 alleles (0.0018%); highest among the groups gnomAD compares: Middle Eastern, 0.016%; no homozygotes.

Submissions (9):

PreventionGenetics, part of Exact Sciences
Classification: Uncertain significance for APC-related condition. Last evaluated: 2026-04-07. Review status: criteria provided, single submitter. Criteria: ACMG Guidelines, 2015. Collection method: clinical testing. Allele origin: germline.
Comment: The APC c.2026A>G variant is predicted to result in the amino acid substitution p.Ile676Val. This variant has been reported in a study of individuals with very early onset and familial colorectal cancer (Djursby et al. 2020. PubMed ID: 33193653) and in individuals with pancreatic cancer (Supplemental Table 5, Mizukami et al. 2020. PubMed ID: 32980694). This variant has also been reported in control populations (Supplemental Table 5, Mizukami et al. 2020. PubMed ID: 32980694; Supplementary Table 2, Okawa et al. 2023. PubMed ID: 36243179). This variant is reported in 0.0035% of alleles in individuals of European (Non-Finnish) descent in gnomAD and has conflicting interpretations in ClinVar, ranging from uncertain to likely benign (Variation ID: 236567). At this time, the clinical significance of this variant is uncertain due to the absence of conclusive functional and genetic evidence.

Labcorp Genetics (formerly Invitae), Labcorp
Classification: Uncertain significance for Familial adenomatous polyposis 1. Last evaluated: 2026-01-10. Review status: criteria provided, single submitter. Criteria: Invitae Variant Classification Sherloc (09022015). Collection method: clinical testing. Allele origin: germline.
Comment: This sequence change replaces isoleucine, which is neutral and non-polar, with valine, which is neutral and non-polar, at codon 676 of the APC protein (p.Ile676Val). This variant is present in population databases (rs745529713, gnomAD 0.01%). This missense change has been observed in individual(s) with colorectal or pancreatic cancer (PMID: 32980694, 33193653). ClinVar contains an entry for this variant (Variation ID: 236567). Invitae Evidence Modeling of protein sequence and biophysical properties (such as structural, functional, and spatial information, amino acid conservation, physicochemical variation, residue mobility, and thermodynamic stability) indicates that this missense variant is not expected to disrupt APC protein function with a negative predictive value of 95%. In summary, the available evidence is currently insufficient to determine the role of this variant in disease. Therefore, it has been classified as a Variant of Uncertain Significance.

Center for Genomic Medicine, Rigshospitalet, Copenhagen University Hospital
Classification: Uncertain significance. Last evaluated: 2025-03-04. Review status: criteria provided, single submitter. Criteria: ACMG Guidelines, 2015. Collection method: clinical testing. Allele origin: germline.

All of Us Research Program, National Institutes of Health
Classification: Uncertain significance for Classic or attenuated familial adenomatous polyposis. Last evaluated: 2024-03-24. Review status: criteria provided, single submitter. Criteria: ACMG Guidelines, 2015. Collection method: clinical testing. Allele origin: germline. Inheritance: Autosomal dominant inheritance. Observed: 4 variant alleles, 4 heterozygotes.
Comment: This missense variant replaces isoleucine with valine at codon 676 of the APC protein. Computational prediction suggests that this variant may not impact protein structure and function (internally defined REVEL score threshold <= 0.5, PMID: 27666373). To our knowledge, functional studies have not been reported for this variant. This variant has been reported in an individual from family affected with colorectal cancer that did not have polyposis (PMID: 33193653). This variant has been identified in 6/250776 chromosomes in the general population by the Genome Aggregation Database (gnomAD). The available evidence is insufficient to determine the role of this variant in disease conclusively. Therefore, this variant is classified as a Variant of Uncertain Significance.

This study involves interpretation of variants in research participants for the purpose of population health screening. Participant phenotype was not available at the time of variant classification. Additional details can be found in publication PMID: 35346344, PMCID: PMC8962531

Baylor Genetics
Classification: Uncertain significance for Familial adenomatous polyposis 1. Last evaluated: 2024-03-09. Review status: criteria provided, single submitter. Criteria: ACMG Guidelines, 2015. Collection method: clinical testing. Allele origin: unknown.

Color Diagnostics, LLC DBA Color Health
Classification: Uncertain significance for Hereditary cancer-predisposing syndrome. Last evaluated: 2024-02-16. Review status: criteria provided, single submitter. Criteria: ACMG Guidelines, 2015. Collection method: clinical testing. Allele origin: germline.
Comment: This missense variant replaces isoleucine with valine at codon 676 of the APC protein. Computational prediction suggests that this variant may not impact protein structure and function (internally defined REVEL score threshold <= 0.5, PMID: 27666373). To our knowledge, functional studies have not been reported for this variant. This variant has been reported in an individual from family affected with colorectal cancer that did not have polyposis (PMID: 33193653). This variant has been identified in 6/250776 chromosomes in the general population by the Genome Aggregation Database (gnomAD). The available evidence is insufficient to determine the role of this variant in disease conclusively. Therefore, this variant is classified as a Variant of Uncertain Significance.

Ambry Genetics
Classification: Likely benign for Hereditary cancer-predisposing syndrome. Last evaluated: 2023-02-03. Review status: criteria provided, single submitter. Criteria: Ambry Variant Classification Scheme 2023. Collection method: clinical testing. Allele origin: germline.

GeneDx
Classification: Uncertain significance. Last evaluated: 2020-01-28. Review status: criteria provided, single submitter. Criteria: GeneDx Variant Classification Process June 2021. Collection method: clinical testing. Allele origin: germline. Affected: yes.
Comment: Has not been previously published as pathogenic or benign to our knowledge; In silico analysis, which includes protein predictors and evolutionary conservation, supports that this variant does not alter protein structure/function; This variant is associated with the following publications: (PMID: 33193653)

Quest Diagnostics Nichols Institute San Juan Capistrano
Classification: Uncertain significance. Last evaluated: 2018-04-11. Review status: criteria provided, single submitter. Criteria: Quest Diagnostics criteria. Collection method: clinical testing. Allele origin: germline.

Literature cited by the submitters: PubMed 32980694 (cited by 3 submitters); PubMed 33193653 (cited by 5 submitters).